The following is an entry in ClinVar:

ClinVar aggregate classification (germline): Likely benign. Review status: criteria provided, multiple submitters, no conflicts (2 of 4 stars). 5 submissions from 5 submitters: Likely benign (4). 1 of the submissions does not count toward it. Last evaluated 2026-07-06.

Conditions:
AIRE-related disorder. Also called: AIRE-related condition.
Polyglandular autoimmune syndrome, type 1 (APS1). Also called: Autoimmune polyendocrinopathy syndrome , type I, with or without reversible metaphyseal dysplasia; Whitaker syndrome; HYPOADRENOCORTICISM WITH HYPOPARATHYROIDISM AND SUPERFICIAL MONILIASIS; PGA I; Autoimmune polyendocrinopathy syndrome, type I; AUTOIMMUNE POLYENDOCRINE SYNDROME, TYPE I, WITH OR WITHOUT REVERSIBLE METAPHYSEAL DYSPLASIA. Identifiers: Orphanet 3453, MedGen C0085859, MONDO:0009411, OMIM 240300.

Allele frequency attached by ClinVar (database versions not stated): ESP Exome Variant Server 0.00015; gnomAD exomes 0.00015 and 0.00022; gnomAD 0.00016; ExAC 0.00018; TOPMed 0.00024.

Submissions (5):

PreventionGenetics, part of Exact Sciences
Classification: Likely benign for AIRE-related condition. Last evaluated: 2026-07-06. Review status: criteria provided, single submitter. Criteria: ACMG Guidelines, 2015. Collection method: clinical testing. Allele origin: germline.
Comment: This variant is classified as likely benign based on ACMG/AMP sequence variant interpretation guidelines (Richards et al. 2015 PMID: 25741868, with internal and published modifications).

Labcorp Genetics (formerly Invitae), Labcorp
Classification: Likely benign for Polyglandular autoimmune syndrome, type 1. Last evaluated: 2026-01-16. Review status: criteria provided, single submitter. Criteria: Invitae Variant Classification Sherloc (09022015). Collection method: clinical testing. Allele origin: germline.

Mayo Clinic Laboratories, Mayo Clinic
Classification: Likely benign. Last evaluated: 2025-09-03. Review status: criteria provided, single submitter. Criteria: ACMG Guidelines, 2015. Collection method: clinical testing. Allele origin: germline. Observed: 1 variant allele.
Comment: BS1

Blueprint Genetics
Classification: Likely benign. Last evaluated: 2024-09-18. Review status: criteria provided, single submitter. Criteria: ACMG Guidelines, 2015. Collection method: clinical testing. Allele origin: germline.

Natera, Inc.
Classification: Likely benign for Polyglandular autoimmune syndrome type 1. Last evaluated: 2020-06-08. Review status: no assertion criteria provided. Collection method: clinical testing. Allele origin: germline. Not counted in ClinVar's aggregate classification.

NM_000383.4(AIRE):c.908G>A (p.Arg303Gln)

Gene: AIRE (autoimmune regulator; plus strand). Cytogenetic location: 21q22.3.
Variant type: single nucleotide variant.
Coding change: c.908G>A on transcript NM_000383.4 (MANE Select); coding-DNA position 908, G replaced by A.
Protein change: p.Arg303Gln; replaces arginine 303 with glutamine.
Molecular consequence: missense variant.
Genome position (GRCh38, 1-based): chr21:44,291,123, G>A. VCF-style: chr21-44291123-G-A. GRCh37 (hg19) VCF-style: chr21-45711006-G-A.
Other names: p.Arg303Gln; short protein forms R303Q.
Identifiers: ClinVar variation 723896 (VCV000723896.14), dbSNP rs139808903, ClinGen allele CA10051855.
Genomic context (GRCh38, chr21:44,291,123, plus strand): 5'-CAGTCTGCATGGGCGTCTCTTGCCTGTGCCAGAAGAATGAGGACGAGTGTGCCGTGTGTC[G>A]GGACGGCGGGGAGCTCATCTGCTGTGACGGCTGCCCTCGGGCCTTCCACCTGGCCTGCCT-3'
Protein context (NP_000374.1, residues 293-313): QKNEDECAVC[Arg303Gln]DGGELICCDG